The following is an entry in ClinVar:

ClinVar aggregate classification (germline): Uncertain significance (1 of 4 stars; one submission).

Conditions:
Developmental delay with dysmorphic facies and dental anomalies. Identifiers: MedGen C5543197, MONDO:0030988, OMIM 619228.

gnomAD v4.1: 4 of 1,614,100 alleles (0.00025%); highest among the groups gnomAD compares: South Asian, 0.0011%; no homozygotes.

Submission:

Neuberg Centre For Genomic Medicine, NCGM
Classification: Uncertain significance for Developmental delay with dysmorphic facies and dental anomalies. Last evaluated: 2024-02-01. Review status: criteria provided, single submitter. Criteria: ACMG Guidelines, 2015. Collection method: clinical testing. Allele origin: germline. Inheritance: Autosomal dominant inheritance. Affected: yes.
Comment: The observed missense variant c.94C>T(p.Arg32Cys) in SATB1 gene has not been reported previoulsy.

NM_002971.6(SATB1):c.94C>T (p.Arg32Cys)

Gene: SATB1 (SATB homeobox 1; minus strand). Cytogenetic location: 3p24.3.
Variant type: single nucleotide variant.
Coding change: c.94C>T on transcript NM_002971.6 (MANE Select); coding-DNA position 94, C replaced by T.
Protein change: p.Arg32Cys; replaces arginine 32 with cysteine.
Molecular consequence: missense variant. On other transcripts: intron variant (1).
Genome position (GRCh38, 1-based): chr3:18,420,874, G>A on the plus strand (C>T on the coding strand, the complement: SATB1 is on the minus strand). VCF-style: chr3-18420874-G-A. GRCh37 (hg19) VCF-style: chr3-18462366-G-A.
Other names: c.94C>T, p.Arg32Cys (NM_001131010.4, NM_001195470.3, NM_001322871.2 and 4 more transcripts); c.-5-3796C>T (NM_001322876.2); short protein forms R32C.
Identifiers: ClinVar variation 3895501 (VCV003895501.2).